The following is an entry in ClinVar:

NM_015512.5(DNAH1):c.2840A>G (p.Asn947Ser)

Gene: DNAH1 (dynein axonemal heavy chain 1; plus strand). Cytogenetic location: 3p21.1.
Variant type: single nucleotide variant.
Coding change: c.2840A>G on transcript NM_015512.5 (MANE Select); coding-DNA position 2840, A replaced by G.
Protein change: p.Asn947Ser; replaces asparagine 947 with serine.
Molecular consequence: missense variant.
Genome position (GRCh38, 1-based): chr3:52,352,072, A>G. VCF-style: chr3-52352072-A-G. GRCh37 (hg19) VCF-style: chr3-52386088-A-G.
Other names: short protein forms N947S.
Identifiers: ClinVar variation 4788153 (VCV004788153.1).

ClinVar aggregate classification (germline): Uncertain significance (1 of 4 stars; one submission).

Conditions:
Spermatogenic failure 18. Identifiers: MedGen C4539783, MONDO:0054615, OMIM 617576.
Ciliary dyskinesia, primary, 37 (CILD37). Also called: CILIARY DYSKINESIA, PRIMARY, 37, WITH OR WITHOUT SITUS INVERSUS. Identifiers: MedGen C4539798, MONDO:0033204, OMIM 617577.

gnomAD v4.1: 11 of 1,584,682 alleles (0.00069%); highest among the groups gnomAD compares: South Asian, 0.013%; no homozygotes.

Submission:

Labcorp Genetics (formerly Invitae), Labcorp
Classification: Uncertain significance for Ciliary dyskinesia, primary, 37; Spermatogenic failure 18. Last evaluated: 2025-10-08. Review status: criteria provided, single submitter. Criteria: Invitae Variant Classification Sherloc (09022015). Collection method: clinical testing. Allele origin: germline.
Comment: This sequence change replaces asparagine, which is neutral and polar, with serine, which is neutral and polar, at codon 947 of the DNAH1 protein (p.Asn947Ser). This variant is present in population databases (rs772325913, gnomAD 0.02%). This variant has not been reported in the literature in individuals affected with DNAH1-related conditions. Invitae Evidence Modeling of protein sequence and biophysical properties (such as structural, functional, and spatial information, amino acid conservation, physicochemical variation, residue mobility, and thermodynamic stability) indicates that this missense variant is not expected to disrupt DNAH1 protein function with a negative predictive value of 80%. In summary, the available evidence is currently insufficient to determine the role of this variant in disease. Therefore, it has been classified as a Variant of Uncertain Significance.